The following is an entry in ClinVar:

ClinVar aggregate classification (germline): Uncertain significance (1 of 4 stars; one submission).

Conditions:
Granulomatous disease, chronic, autosomal recessive, cytochrome b-positive, type 3. Also called: GRANULOMATOUS DISEASE, CHRONIC, DUE TO NCF4 DEFICIENCY; Granulomatous disease, chronic, autosomal recessive, cytochrome b-positive, type III; GRANULOMATOUS DISEASE, CHRONIC, AUTOSOMAL RECESSIVE, 3; CGD, AUTOSOMAL RECESSIVE CYTOCHROME b-POSITIVE, TYPE III. Identifiers: Orphanet 379, MedGen C3151409, MONDO:0013507, OMIM 613960.

Submission:

Labcorp Genetics (formerly Invitae), Labcorp
Classification: Uncertain significance for Granulomatous disease, chronic, autosomal recessive, cytochrome b-positive, type 3. Last evaluated: 2022-02-05. Review status: criteria provided, single submitter. Criteria: Invitae Variant Classification Sherloc (09022015). Collection method: clinical testing. Allele origin: germline.
Comment: Algorithms developed to predict the effect of missense changes on protein structure and function are either unavailable or do not agree on the potential impact of this missense change (SIFT: "Deleterious"; PolyPhen-2: "Possibly Damaging"; Align-GVGD: "Class C0"). ClinVar contains an entry for this variant (Variation ID: 642515). This variant has not been reported in the literature in individuals affected with NCF4-related conditions. This variant is not present in population databases (gnomAD no frequency). This sequence change replaces phenylalanine, which is neutral and non-polar, with tyrosine, which is neutral and polar, at codon 41 of the NCF4 protein (p.Phe41Tyr). In summary, the available evidence is currently insufficient to determine the role of this variant in disease. Therefore, it has been classified as a Variant of Uncertain Significance.

NM_000631.5(NCF4):c.122T>A (p.Phe41Tyr)

Genes: NCF4 (neutrophil cytosolic factor 4; plus strand), NCF4-AS1 (NCF4 antisense RNA 1; minus strand). Cytogenetic location: 22q12.3.
Variant type: single nucleotide variant.
Coding change: c.122T>A on transcript NM_000631.5 (MANE Select); coding-DNA position 122, T replaced by A.
Protein change: p.Phe41Tyr; replaces phenylalanine 41 with tyrosine.
Molecular consequence: missense variant.
Genome position (GRCh38, 1-based): chr22:36,864,923, T>A. VCF-style: chr22-36864923-T-A. GRCh37 (hg19) VCF-style: chr22-37260965-T-A.
Other names: c.122T>A, p.Phe41Tyr (NM_013416.4); short protein forms F41Y.
Identifiers: ClinVar variation 642515 (VCV000642515.9), dbSNP rs1601547189, ClinGen allele CA411378599.